The following is an entry in ClinVar:

ClinVar aggregate classification (germline): Conflicting classifications of pathogenicity. Review status: criteria provided, conflicting classifications (1 of 4 stars). 5 submissions from 5 submitters: Uncertain significance (1); Benign (3); Likely benign (1). Last evaluated 2026-02-04.

Conditions:
X-linked reticulate pigmentary disorder. Also called: Pigmentary disorder, reticulate, with systemic manifestations, X-linked. Identifiers: Orphanet 85453, MedGen C1845050, MONDO:0010523, OMIM 301220.

Allele frequency attached by ClinVar (database versions not stated): 1000 Genomes Project 0.00159; 1000 Genomes Project 30x 0.00208; gnomAD exomes 0.00396 and 0.00741; gnomAD 0.00404 and 0.00406; TOPMed 0.00422; ExAC 0.00463; ESP Exome Variant Server 0.00549.
gnomAD v4.1: 8,491 of 1,204,526 alleles (0.7%); highest among the groups gnomAD compares: Non-Finnish European, 0.88%; 32 homozygotes.

Submissions (5):

Labcorp Genetics (formerly Invitae), Labcorp
Classification: Benign. Last evaluated: 2026-02-04. Review status: criteria provided, single submitter. Criteria: Invitae Variant Classification Sherloc (09022015). Collection method: clinical testing. Allele origin: germline.

Mayo Clinic Laboratories, Mayo Clinic
Classification: Benign. Last evaluated: 2025-08-11. Review status: criteria provided, single submitter. Criteria: ACMG Guidelines, 2015. Collection method: clinical testing. Allele origin: germline. Observed: 4 variant alleles.
Comment: BS1, BS2, BP4_moderate

Blueprint Genetics
Classification: Likely benign. Last evaluated: 2024-11-28. Review status: criteria provided, single submitter. Criteria: ACMG Guidelines, 2015. Collection method: clinical testing. Allele origin: germline.

Mendelics
Classification: Benign. Last evaluated: 2022-05-04. Review status: criteria provided, single submitter. Criteria: Mendelics Assertion Criteria 2019. Collection method: clinical testing. Allele origin: germline.

Genomic Research Center, Shahid Beheshti University of Medical Sciences
Classification: Uncertain significance for Pigmentary disorder, reticulate, with systemic manifestations, X-linked. Last evaluated: 2018-08-07. Review status: criteria provided, single submitter. Criteria: ACMG Guidelines, 2015. Collection method: clinical testing. Allele origin: inherited. Affected: yes. Observed: 1 variant allele.

Literature cited by the submitters: PubMed 32185379 (cited by Mayo Clinic Laboratories, Mayo Clinic).

NM_001330360.2(POLA1):c.3622G>C (p.Asp1208His)

Gene: POLA1 (DNA polymerase alpha 1, catalytic subunit; plus strand). Cytogenetic location: Xp22.11.
Variant type: single nucleotide variant.
Coding change: c.3622G>C on transcript NM_001330360.2 (MANE Select); coding-DNA position 3622, G replaced by C.
Protein change: p.Asp1208His; replaces aspartic acid 1208 with histidine.
Molecular consequence: missense variant.
Genome position (GRCh38, 1-based): chrX:24,826,487, G>C. VCF-style: chrX-24826487-G-C. GRCh37 (hg19) VCF-style: chrX-24844604-G-C.
Other names: p.Asp1202His; c.3604G>C, p.Asp1202His (NM_016937.4); short protein forms D1202H, D1208H.
Identifiers: ClinVar variation 587618 (VCV000587618.18), dbSNP rs41548013, ClinGen allele CA10373590.
Genomic context (GRCh38, chrX:24,826,487, plus strand): 5'-GATGGATCAAACCTCACTGCAAGTCAGAGGGCCTATGCGCCTGAGCAGCTGCAGAAACAG[G>C]ATAATCTAACCATTGACACCCAGTACTACCTGGCCCAGCAGATCCACCCAGTCGTGGCTC-3'
Protein context (NP_001317289.1, residues 1198-1218): AYAPEQLQKQ[Asp1208His]NLTIDTQYYL